The following is an entry in ClinVar:

NM_005751.5(AKAP9):c.11429C>T (p.Thr3810Ile)

Gene: AKAP9 (A-kinase anchoring protein 9; plus strand). Cytogenetic location: 7q21.2.
Variant type: single nucleotide variant.
Coding change: c.11429C>T on transcript NM_005751.5 (MANE Select); coding-DNA position 11429, C replaced by T.
Protein change: p.Thr3810Ile; replaces threonine 3810 with isoleucine.
Molecular consequence: missense variant.
Genome position (GRCh38, 1-based): chr7:92,107,305, C>T. VCF-style: chr7-92107305-C-T. GRCh37 (hg19) VCF-style: chr7-91736619-C-T.
Other names: c.6074C>T, p.Thr2025Ile (NM_001379277.1); c.11405C>T, p.Thr3802Ile (NM_147185.3); short protein forms T2025I, T3802I, T3810I.
Identifiers: ClinVar variation 3516783 (VCV003516783.1).

ClinVar aggregate classification (germline): Uncertain significance (1 of 4 stars; one submission).

Conditions:
Cardiovascular phenotype. Identifiers: MedGen CN230736.

gnomAD v4.1: 6 of 1,613,936 alleles (0.00037%); highest among the groups gnomAD compares: East Asian, 0.0022%; no homozygotes.

Submission:

Ambry Genetics
Classification: Uncertain significance for Cardiovascular phenotype. Last evaluated: 2024-10-14. Review status: criteria provided, single submitter. Criteria: Ambry Variant Classification Scheme 2023. Collection method: clinical testing. Allele origin: germline.
Comment: The p.T3810I variant (also known as c.11429C>T), located in coding exon 48 of the AKAP9 gene, results from a C to T substitution at nucleotide position 11429. The threonine at codon 3810 is replaced by isoleucine, an amino acid with similar properties. This amino acid position is conserved. In addition, this alteration is predicted to be tolerated by in silico analysis. Based on the available evidence, the clinical significance of this variant remains unclear.